The following is an entry in ClinVar:

ClinVar aggregate classification (germline): Uncertain significance (1 of 4 stars; one submission).

Submission:

Laboratory for Molecular Medicine, Mass General Brigham Personalized Medicine
Classification: Uncertain significance. Last evaluated: 2017-08-03. Review status: criteria provided, single submitter. Criteria: LMM Criteria. Collection method: clinical testing. Allele origin: germline. Observed: 1 variant allele.
Comment: The p.Arg1405Gly variant in PCDH15 has not been previously reported in individua ls with hearing loss or Usher syndrome, but has been identified in 1/17246 East Asian chromosomes by the Genome Aggregation Database (gnomAD; dbSNP rs148046721). Although this variant has been seen in the general population, its frequency is not high enough to rule out a pathogenic ro le. Computational prediction tools and conservation analyses suggest that this v ariant may impact the protein, though this information is not predictive enough to determine pathogenicity. In summary, the clinical significance of the p.Arg14 05Gly variant is uncertain.

NM_001384140.1(PCDH15):c.4213C>G (p.Arg1405Gly)

Gene: PCDH15 (protocadherin related 15; minus strand). Cytogenetic location: 10q21.1.
Variant type: single nucleotide variant.
Coding change: c.4213C>G on transcript NM_001384140.1 (MANE Select); coding-DNA position 4213, C replaced by G.
Protein change: p.Arg1405Gly; replaces arginine 1405 with glycine.
Molecular consequence: missense variant.
Genome position (GRCh38, 1-based): chr10:53,827,547, G>C on the plus strand (C>G on the coding strand, the complement: PCDH15 is on the minus strand). VCF-style: chr10-53827547-G-C. GRCh37 (hg19) VCF-style: chr10-55587307-G-C.
Other names: c.4228C>G, p.Arg1410Gly (NM_001142763.2, NM_001142771.2); c.4213C>G, p.Arg1405Gly (NM_001142764.2, NM_001142770.3, NM_001142772.2 and 3 more transcripts); c.4000C>G, p.Arg1334Gly (NM_001142765.2); c.4204C>G, p.Arg1402Gly (NM_001142766.2); c.4093C>G, p.Arg1365Gly (NM_001142767.2); c.4147C>G, p.Arg1383Gly (NM_001142768.2, NM_001354404.2); c.4249C>G, p.Arg1417Gly (NM_001142769.4); c.4138C>G, p.Arg1380Gly (NM_001142773.2); and 1 more; short protein forms R1405G, R1380G, R1334G, R1383G, R1402G, R1417G, R1365G, R1410G.
Identifiers: ClinVar variation 517505 (VCV000517505.5), dbSNP rs148046721, ClinGen allele CA5505399.